The following is an entry in ClinVar:

NM_001374828.1(ARID1B):c.5593G>A (p.Glu1865Lys)

Gene: ARID1B (AT-rich interaction domain 1B; plus strand). Cytogenetic location: 6q25.3.
Variant type: single nucleotide variant.
Coding change: c.5593G>A on transcript NM_001374828.1 (MANE Select); coding-DNA position 5593, G replaced by A.
Protein change: p.Glu1865Lys; replaces glutamic acid 1865 with lysine.
Molecular consequence: missense variant.
Genome position (GRCh38, 1-based): chr6:157,206,365, G>A. VCF-style: chr6-157206365-G-A. GRCh37 (hg19) VCF-style: chr6-157527499-G-A.
Other names: c.5344G>A, p.Glu1782Lys (NM_001346813.1); c.3094G>A, p.Glu1032Lys (NM_001363725.2); c.5473G>A, p.Glu1825Lys (NM_001371656.1, NM_001374820.1); c.5434G>A, p.Glu1812Lys (NM_017519.3); c.5224G>A, p.Glu1742Lys (NM_020732.3); c.5011G>A, p.Glu1671Lys (NM_175863.2); short protein forms E1032K, E1742K, E1825K, E1782K, E1671K, E1812K, E1865K.
Identifiers: ClinVar variation 2070457 (VCV002070457.4), dbSNP rs374680141, ClinGen allele CA4067868.

ClinVar aggregate classification (germline): Uncertain significance (1 of 4 stars; one submission).

Allele frequency attached by ClinVar (database versions not stated): gnomAD exomes 0.00002; ESP Exome Variant Server 0.00008; ExAC 0.00002.
gnomAD v4.1: 34 of 1,614,158 alleles (0.0021%); highest among the groups gnomAD compares: Non-Finnish European, 0.0025%; no homozygotes.

Submission:

Labcorp Genetics (formerly Invitae), Labcorp
Classification: Uncertain significance. Last evaluated: 2022-05-13. Review status: criteria provided, single submitter. Criteria: Invitae Variant Classification Sherloc (09022015). Collection method: clinical testing. Allele origin: germline.
Comment: In summary, the available evidence is currently insufficient to determine the role of this variant in disease. Therefore, it has been classified as a Variant of Uncertain Significance. Algorithms developed to predict the effect of missense changes on protein structure and function are either unavailable or do not agree on the potential impact of this missense change (SIFT: "Deleterious"; PolyPhen-2: "Benign"; Align-GVGD: "Class C0"). This variant has not been reported in the literature in individuals affected with ARID1B-related conditions. This variant is present in population databases (rs374680141, gnomAD 0.006%). This sequence change replaces glutamic acid, which is acidic and polar, with lysine, which is basic and polar, at codon 1742 of the ARID1B protein (p.Glu1742Lys).